The following is an entry in ClinVar:

ClinVar aggregate classification (germline): Uncertain significance (1 of 4 stars; one submission).

Conditions:
Developmental and epileptic encephalopathy, 11 (DEE11). Also called: Early infantile epileptic encephalopathy 11. Identifiers: Orphanet 1934, MedGen C3150987, MONDO:0013388, OMIM 613721.
Seizures, benign familial infantile, 3 (BFIS3). Also called: Familial neonatal seizures; CONVULSIONS, BENIGN FAMILIAL INFANTILE, 3. Identifiers: Orphanet 140927, Orphanet 306, MedGen C1843140, MONDO:0011904, OMIM 607745.

Allele frequency attached by ClinVar (database versions not stated): gnomAD exomes below 0.00001; ExAC 0.00001; gnomAD 0.00001; TOPMed 0.00001.
gnomAD v4.1: 21 of 1,613,706 alleles (0.0013%); highest among the groups gnomAD compares: Non-Finnish European, 0.0016%; no homozygotes.

Submission:

Labcorp Genetics (formerly Invitae), Labcorp
Classification: Uncertain significance for Seizures, benign familial infantile, 3; Developmental and epileptic encephalopathy, 11. Last evaluated: 2022-02-05. Review status: criteria provided, single submitter. Criteria: Invitae Variant Classification Sherloc (09022015). Collection method: clinical testing. Allele origin: germline.
Comment: In summary, the available evidence is currently insufficient to determine the role of this variant in disease. Therefore, it has been classified as a Variant of Uncertain Significance. Algorithms developed to predict the effect of missense changes on protein structure and function output the following: SIFT: "Tolerated"; PolyPhen-2: "Benign"; Align-GVGD: "Class C0". The serine amino acid residue is found in multiple mammalian species, which suggests that this missense change does not adversely affect protein function. ClinVar contains an entry for this variant (Variation ID: 933516). This variant has not been reported in the literature in individuals affected with SCN2A-related conditions. This variant is present in population databases (rs772159401, gnomAD 0.0009%). This sequence change replaces asparagine, which is neutral and polar, with serine, which is neutral and polar, at codon 753 of the SCN2A protein (p.Asn753Ser).

NM_001040142.2(SCN2A):c.2258A>G (p.Asn753Ser)

Gene: SCN2A (sodium voltage-gated channel alpha subunit 2; plus strand). Cytogenetic location: 2q24.3.
Variant type: single nucleotide variant.
Coding change: c.2258A>G on transcript NM_001040142.2 (MANE Select); coding-DNA position 2258, A replaced by G.
Protein change: p.Asn753Ser; replaces asparagine 753 with serine.
Molecular consequence: missense variant.
Genome position (GRCh38, 1-based): chr2:165,331,438, A>G. VCF-style: chr2-165331438-A-G. GRCh37 (hg19) VCF-style: chr2-166187948-A-G.
Other names: c.2258A>G, p.Asn753Ser (NM_001040143.2, NM_001371246.1, NM_001371247.1 and 1 more transcripts); short protein forms N753S.
Identifiers: ClinVar variation 933516 (VCV000933516.10), dbSNP rs772159401, ClinGen allele CA1939952.